The following is an entry in ClinVar:

ClinVar aggregate classification (germline): Uncertain significance (1 of 4 stars; one submission).

Submission:

GeneDx
Classification: Uncertain significance. Last evaluated: 2022-12-28. Review status: criteria provided, single submitter. Criteria: GeneDx Variant Classification Process June 2021. Collection method: clinical testing. Allele origin: germline. Affected: yes.
Comment: Not observed at significant frequency in large population cohorts (gnomAD); In silico analysis supports that this missense variant does not alter protein structure/function; Has not been previously published as pathogenic or benign to our knowledge

NM_001378454.1(ALMS1):c.4547C>T (p.Pro1516Leu)

Gene: ALMS1 (ALMS1 centrosome and basal body associated protein; plus strand). Cytogenetic location: 2p13.1.
Variant type: single nucleotide variant.
Coding change: c.4547C>T on transcript NM_001378454.1 (MANE Select); coding-DNA position 4547, C replaced by T.
Protein change: p.Pro1516Leu; replaces proline 1516 with leucine.
Molecular consequence: missense variant.
Genome position (GRCh38, 1-based): chr2:73,451,074, C>T. VCF-style: chr2-73451074-C-T. GRCh37 (hg19) VCF-style: chr2-73678201-C-T.
Other names: c.4550C>T, p.Pro1517Leu (NM_015120.4); short protein forms P1516L, P1517L.
Identifiers: ClinVar variation 2507095 (VCV002507095.1), dbSNP rs2466102006, ClinGen allele CA347278764.